The following is an entry in ClinVar:

ClinVar aggregate classification (germline): Uncertain significance. Review status: criteria provided, multiple submitters, no conflicts (2 of 4 stars). 2 submissions from 2 submitters: Uncertain significance (2). Last evaluated 2024-06-25.

Conditions:
Hereditary nonpolyposis colorectal neoplasms. Identifiers: MedGen C0009405, MeSH D003123.
Hereditary cancer-predisposing syndrome. Also called: Tumor predisposition; Neoplastic Syndromes, Hereditary; Hereditary neoplastic syndrome; Hereditary Cancer Syndrome. Identifiers: Orphanet 140162, MedGen C0027672, MeSH D009386, MONDO:0015356.

Submissions (2):

Ambry Genetics
Classification: Uncertain significance for Hereditary cancer-predisposing syndrome. Last evaluated: 2024-06-25. Review status: criteria provided, single submitter. Criteria: Ambry Variant Classification Scheme 2023. Collection method: clinical testing. Allele origin: germline.
Comment: The p.R922G variant (also known as c.2764C>G), located in coding exon 4 of the MSH6 gene, results from a C to G substitution at nucleotide position 2764. The arginine at codon 922 is replaced by glycine, an amino acid with dissimilar properties. This amino acid position is highly conserved in available vertebrate species. In addition, this alteration is predicted to be deleterious by in silico analysis. Since supporting evidence is limited at this time, the clinical significance of this alteration remains unclear.

Labcorp Genetics (formerly Invitae), Labcorp
Classification: Uncertain significance for Hereditary nonpolyposis colorectal neoplasms. Last evaluated: 2021-03-17. Review status: criteria provided, single submitter. Criteria: Invitae Variant Classification Sherloc (09022015). Collection method: clinical testing. Allele origin: germline.
Comment: This variant is not present in population databases (ExAC no frequency). In summary, the available evidence is currently insufficient to determine the role of this variant in disease. Therefore, it has been classified as a Variant of Uncertain Significance. Advanced modeling of protein sequence and biophysical properties (such as structural, functional, and spatial information, amino acid conservation, physicochemical variation, residue mobility, and thermodynamic stability) performed at Invitae indicates that this missense variant is expected to disrupt MSH6 protein function. This variant has not been reported in the literature in individuals with MSH6-related conditions. This sequence change replaces arginine with glycine at codon 922 of the MSH6 protein (p.Arg922Gly). The arginine residue is moderately conserved and there is a moderate physicochemical difference between arginine and glycine.

NM_000179.3(MSH6):c.2764C>G (p.Arg922Gly)

Gene: MSH6 (mutS homolog 6; plus strand). Cytogenetic location: 2p16.3.
Variant type: single nucleotide variant.
Coding change: c.2764C>G on transcript NM_000179.3 (MANE Select); coding-DNA position 2764, C replaced by G.
Protein change: p.Arg922Gly; replaces arginine 922 with glycine.
Molecular consequence: missense variant.
Genome position (GRCh38, 1-based): chr2:47,800,747, C>G. VCF-style: chr2-47800747-C-G. GRCh37 (hg19) VCF-style: chr2-48027886-C-G.
Other names: c.2374C>G, p.Arg792Gly (NM_001281492.2); c.1858C>G, p.Arg620Gly (NM_001281493.2, NM_001281494.2); short protein forms R620G, R792G, R922G.
Identifiers: ClinVar variation 1517251 (VCV001517251.11), dbSNP rs587779246, ClinGen allele CA346755447.